The following is an entry in ClinVar:

ClinVar aggregate classification (germline): Pathogenic (1 of 4 stars; one submission).

Conditions:
Anauxetic dysplasia. Identifiers: Orphanet 93347, MedGen C1846796, MONDO:0011773.

Submission:

Labcorp Genetics (formerly Invitae), Labcorp
Classification: Pathogenic for Anauxetic dysplasia. Last evaluated: 2022-11-23. Review status: criteria provided, single submitter. Criteria: Invitae Variant Classification Sherloc (09022015). Collection method: clinical testing. Allele origin: germline.
Comment: For these reasons, this variant has been classified as Pathogenic. While functional studies for this variant have not been reported, experimental analyses using patient derived cells, as well as in vitro transfection studies, have shown that promoter insertions result in silencing of RMRP transcription and reduced expression of the gene product (PMID: 11207361, 16254002). While this particular variant has not been reported in the literature, it is located in the promoter region between the TATA box and the transcription initiation site, and other insertions and duplications immediately upstream of the coding sequence have been reported in individuals affected with cartilage-hair hypoplasia-anauxetic dysplasia (CHH-AD) spectrum disorders (PMID: 16244706, 11207361, 12107819). This variant is not present in population databases (gnomAD no frequency). This variant occurs in the RMRP gene, which encodes an RNA molecule that does not result in a protein product.

Literature cited by the submitters: PubMed 11207361; PubMed 16254002; PubMed 16244706; PubMed 12107819.

NC_000009.12:g.35658032CACAGAGTAGTAT[3]

Gene: RMRP (RNA component of mitochondrial RNA processing endoribonuclease; minus strand). Cytogenetic location: 9p13.3.
Variant type: Microsatellite.
Genome position: GRCh38 VCF-style: chr9-35658030-T-TTCACAGAGTAGTATCACAGAGTAGTA. GRCh37 (hg19) VCF-style: chr9-35658027-T-TTCACAGAGTAGTATCACAGAGTAGTA.
Identifiers: ClinVar variation 1389778 (VCV001389778.6), dbSNP rs1554651508, ClinGen allele CA918446921.
Genomic context (GRCh38, chr9:35,658,030, plus strand): 5'-AACAGAGTCCTCAGTGTGTAGCCTAGGATACAGGCCTTCAGCACGAACCACGTCCTCAGC[T>TTCACAGAGTAGTATCACAGAGTAGTA]TCACAGAGTAGTATTTTATAGCCCTAAAGAAATTGTGTTTTATGATTAGGGTGAGAAAGT-3'